The following is an entry in ClinVar:

ClinVar aggregate classification (germline): Pathogenic/Likely pathogenic. Review status: criteria provided, multiple submitters, no conflicts (2 of 4 stars). 3 submissions from 3 submitters: Pathogenic (1); Likely pathogenic (1). 1 of the submissions does not count toward it. Last evaluated 2023-10-08.

Conditions:
Imerslund-Grasbeck syndrome. Also called: ENTEROCYTE COBALAMIN MALABSORPTION; ENTEROCYTE INTRINSIC FACTOR RECEPTOR, DEFECT OF; PERNICIOUS ANEMIA, JUVENILE, DUE TO SELECTIVE INTESTINAL MALABSORPTION OF VITAMIN B12, WITH PROTEINURIA; Megaloblastic anemia due to inborn errors of metabolism; Imerslund-Gräsbeck syndrome. Identifiers: Orphanet 35858, MedGen C4551825, MONDO:0009853.
Imerslund-Grasbeck syndrome type 2. Also called: MEGALOBLASTIC ANEMIA, NORWEGIAN TYPE; Imerslund-Gräsbeck syndrome 2; Megaloblastic anemia 1, Norwegian type. Identifiers: MedGen C4016948, MONDO:0100157, OMIM 618882.

Submissions (3):

Labcorp Genetics (formerly Invitae), Labcorp
Classification: Pathogenic for Imerslund-Grasbeck syndrome. Last evaluated: 2023-10-08. Review status: criteria provided, single submitter. Criteria: Invitae Variant Classification Sherloc (09022015). Collection method: clinical testing. Allele origin: germline.
Comment: This sequence change affects an acceptor splice site in intron 3 of the AMN gene. It is expected to disrupt RNA splicing. Variants that disrupt the donor or acceptor splice site typically lead to a loss of protein function (PMID: 16199547), and loss-of-function variants in AMN are known to be pathogenic (PMID: 12590260, 22929189). This variant is not present in population databases (gnomAD no frequency). Disruption of this splice site has been observed in individuals with Imerslund-Gräsbeck Syndrome (PMID: 12590260, 15024727, 22078000, 24044590, 32045704). It has also been observed to segregate with disease in related individuals. ClinVar contains an entry for this variant (Variation ID: 56750). Algorithms developed to predict the effect of sequence changes on RNA splicing suggest that this variant may disrupt the consensus splice site. For these reasons, this variant has been classified as Pathogenic.

Neuberg Centre For Genomic Medicine, NCGM
Classification: Likely pathogenic for Imerslund-Grasbeck syndrome type 2. Review status: criteria provided, single submitter. Criteria: ACMG Guidelines, 2015. Collection method: clinical testing. Allele origin: germline. Inheritance: Autosomal recessive inheritance. Affected: yes.
Comment: The splice site acceptor c.208-1G>C variant in AMN gene has been reported in ClinVar as Likely Pathogenic. It has not been reported in affected individuals. The variant affects the invariant acceptor splice site. The variant is novel (not in any individuals) in gnomAD Exomes and 1000 Genomes. Loss of function variants have been previously reported to be disease causing. For these reasons, this variant has been classified as Likely Pathogenic.

Juha Muilu Group; Institute for Molecular Medicine Finland (FIMM)
Classification: Likely pathogenic for Megaloblastic anemia due to inborn errors of metabolism. Review status: no assertion criteria provided. Collection method: not provided. Allele origin: unknown. Not counted in ClinVar's aggregate classification.
Comment: FinDis database variant: This variant was not found or characterized by our laboratory, data were collected from public sources: see reference
ClinVar note: Converted during submission from probable-pathogenic to Likely pathogenic.

Literature cited by the submitters: PubMed 16199547 (cited by Labcorp Genetics (formerly Invitae), Labcorp); PubMed 12590260 (cited by Labcorp Genetics (formerly Invitae), Labcorp); PubMed 22929189 (cited by Labcorp Genetics (formerly Invitae), Labcorp); PubMed 15024727 (cited by Labcorp Genetics (formerly Invitae), Labcorp); PubMed 22078000 (cited by Labcorp Genetics (formerly Invitae), Labcorp); PubMed 24044590 (cited by Labcorp Genetics (formerly Invitae), Labcorp); PubMed 32045704 (cited by Labcorp Genetics (formerly Invitae), Labcorp).

NM_030943.4(AMN):c.208-1G>C

Genes: AMN (amnion associated transmembrane protein; plus strand), LOC130056553 (ATAC-STARR-seq lymphoblastoid silent region 6135; plus strand). Cytogenetic location: 14q32.32.
Variant type: single nucleotide variant.
Coding change: c.208-1G>C on transcript NM_030943.4 (MANE Select); the canonical splice acceptor site of the intron before coding-DNA position 208, G replaced by C.
Molecular consequence: splice acceptor variant.
Genome position (GRCh38, 1-based): chr14:102,928,425, G>C. VCF-style: chr14-102928425-G-C. GRCh37 (hg19) VCF-style: chr14-103394762-G-C.
Identifiers: ClinVar variation 56750 (VCV000056750.5), dbSNP rs386834169, ClinGen allele CA144408.